The following is an entry in ClinVar:

NM_206926.2(SELENON):c.1144C>T (p.Arg382Trp)

Gene: SELENON (selenoprotein N; plus strand). Cytogenetic location: 1p36.11.
Variant type: single nucleotide variant.
Coding change: c.1144C>T on transcript NM_206926.2 (MANE Select); coding-DNA position 1144, C replaced by T.
Protein change: p.Arg382Trp; replaces arginine 382 with tryptophan.
Molecular consequence: missense variant.
Genome position (GRCh38, 1-based): chr1:25,811,844, C>T. VCF-style: chr1-25811844-C-T. GRCh37 (hg19) VCF-style: chr1-26138335-C-T.
Other names: c.1246C>T, p.Arg416Trp (NM_020451.3); short protein forms R416W, R382W.
Identifiers: ClinVar variation 95957 (VCV000095957.19), dbSNP rs369207232, ClinGen allele CA223580.

ClinVar aggregate classification (germline): Uncertain significance. Review status: criteria provided, multiple submitters, no conflicts (2 of 4 stars). 4 submissions from 4 submitters: Uncertain significance (4). Last evaluated 2025-10-02.

Conditions:
Inborn genetic diseases. Identifiers: MedGen C0950123, MeSH D030342.
Eichsfeld type congenital muscular dystrophy (CMYO3). Also called: MYOPATHY, SEPN1-RELATED; SELENON-related myopathy; Congenital myopathy 3 with rigid spine; Rigid spine muscular dystrophy 1. Identifiers: MedGen C0410180, MONDO:0100100, OMIM 602771.

Allele frequency attached by ClinVar (database versions not stated): ExAC 0.00012; gnomAD 0.00002 and 0.00001; TOPMed 0.00005; 1000 Genomes Project 30x 0.00016; ESP Exome Variant Server 0.00008; gnomAD exomes 0.00009; 1000 Genomes Project 0.00020.
gnomAD v4.1: 83 of 1,578,354 alleles (0.0053%); highest among the groups gnomAD compares: South Asian, 0.031%; 1 homozygote.

Submissions (4):

Labcorp Genetics (formerly Invitae), Labcorp
Classification: Uncertain significance for Eichsfeld type congenital muscular dystrophy. Last evaluated: 2025-10-02. Review status: criteria provided, single submitter. Criteria: Invitae Variant Classification Sherloc (09022015). Collection method: clinical testing. Allele origin: germline.
Comment: This sequence change replaces arginine, which is basic and polar, with tryptophan, which is neutral and slightly polar, at codon 416 of the SELENON protein (p.Arg416Trp). This variant is present in population databases (rs369207232, gnomAD 0.04%). This variant has not been reported in the literature in individuals affected with SELENON-related conditions. ClinVar contains an entry for this variant (Variation ID: 95957). Invitae Evidence Modeling of protein sequence and biophysical properties (such as structural, functional, and spatial information, amino acid conservation, physicochemical variation, residue mobility, and thermodynamic stability) indicates that this missense variant is not expected to disrupt SELENON protein function with a negative predictive value of 80%. In summary, the available evidence is currently insufficient to determine the role of this variant in disease. Therefore, it has been classified as a Variant of Uncertain Significance.

Ambry Genetics
Classification: Uncertain significance for Inborn genetic diseases. Last evaluated: 2025-05-18. Review status: criteria provided, single submitter. Criteria: Ambry Variant Classification Scheme 2023. Collection method: clinical testing. Allele origin: germline.

Revvity Omics, Revvity
Classification: Uncertain significance for Eichsfeld type congenital muscular dystrophy. Last evaluated: 2023-10-31. Review status: criteria provided, single submitter. Criteria: ACMG Guidelines, 2015. Collection method: clinical testing. Allele origin: germline.

Eurofins Ntd Llc (ga)
Classification: Uncertain significance. Last evaluated: 2012-10-23. Review status: criteria provided, single submitter. Criteria: EGL Classification Definitions 2015. Collection method: clinical testing. Allele origin: germline. Observed: 1 variant allele, 1 heterozygote.